The following is an entry in ClinVar:

NM_022552.5(DNMT3A):c.1935A>G (p.Thr645=)

Gene: DNMT3A (DNA methyltransferase 3 alpha; minus strand). Cytogenetic location: 2p23.3.
Variant type: single nucleotide variant.
Coding change: c.1935A>G on transcript NM_022552.5 (MANE Select); coding-DNA position 1935, A replaced by G.
Protein change: p.Thr645=; no amino-acid change (threonine 645 retained).
Molecular consequence: synonymous variant. On other transcripts: non-coding transcript variant (1).
Genome position (GRCh38, 1-based): chr2:25,243,899, T>C on the plus strand (A>G on the coding strand, the complement: DNMT3A is on the minus strand). VCF-style: chr2-25243899-T-C. GRCh37 (hg19) VCF-style: chr2-25466768-T-C.
Other names: c.1479A>G, p.Thr493= (NM_001320893.1); c.1266A>G, p.Thr422= (NM_001375819.1); c.1368A>G, p.Thr456= (NM_153759.3); c.1935A>G, p.Thr645= (NM_175629.2).
Identifiers: ClinVar variation 2577668 (VCV002577668.2), dbSNP rs1166765403, ClinGen allele CA425182089.

ClinVar aggregate classification (germline): Uncertain significance (1 of 4 stars; one submission).

Allele frequency attached by ClinVar (database versions not stated): gnomAD exomes below 0.00001.
gnomAD v4.1: 1 of 1,551,880 alleles (0.000064%); highest among the groups gnomAD compares: Non-Finnish European, 0.000087%; no homozygotes.

Submission:

GeneDx
Classification: Uncertain significance. Last evaluated: 2025-08-12. Review status: criteria provided, single submitter. Criteria: GeneDx Variant Classification Process June 2021. Collection method: clinical testing. Allele origin: germline.
Comment: Not observed at significant frequency in large population cohorts (gnomAD); Has not been previously published as pathogenic or benign to our knowledge; In silico analysis is inconclusive as to whether the variant alters gene splicing. In the absence of RNA/functional studies, the actual effect of this sequence change is unknown.